The following is an entry in ClinVar:

ClinVar aggregate classification (germline): Likely pathogenic. Review status: criteria provided, multiple submitters, no conflicts (2 of 4 stars). 3 submissions from 3 submitters: Likely pathogenic (2). 1 of the submissions does not count toward it. Last evaluated 2026-09-22.

Conditions:
Ovarian cancer. Also called: OVARIAN CANCER, SOMATIC. Identifiers: Orphanet 213500, MedGen C1140680, MONDO:0008170, OMIM 167000.
Fanconi anemia complementation group J. Also called: BRIP1-Related Fanconi Anemia. Identifiers: Orphanet 84, MedGen C1836860, MONDO:0012187, OMIM 609054.
BRIP1-related disorder. Also called: BRIP1-related condition; BRIP1-related disorders. Identifiers: MedGen CN239206.
Familial cancer of breast. Also called: Hereditary breast cancer; hereditary breast carcinoma; BREAST CANCER, FAMILIAL. Identifiers: Orphanet 227535, MedGen C0346153, MONDO:0016419, OMIM 114480. Disease mechanism: loss of function.

Submissions (3):

PreventionGenetics, part of Exact Sciences
Classification: Likely pathogenic for BRIP1-related condition. Last evaluated: 2026-09-22. Review status: criteria provided, single submitter. Criteria: ACMG Guidelines, 2015. Collection method: clinical testing. Allele origin: germline.
Comment: The BRIP1 c.1474-13_1475del15 variant is predicted to result in a deletion affecting a canonical splice site. This variant is a small deletion that spans the intron/exon boundary and is predicted to impact splicing based on available splicing prediction programs (SpliceAI, Jaganathan et al. 2019. PubMed ID: 30661751). To our knowledge, this variant has not been reported in the literature or in a large population database (gnomAD), indicating this variant is rare and is interpreted as likely pathogenic in ClinVar (Variation ID: 548804). This variant is interpreted as likely pathogenic.

Myriad Genetics, Inc.
Classification: Likely pathogenic for Familial cancer of breast. Last evaluated: 2023-02-27. Review status: criteria provided, single submitter. Criteria: Myriad Autosomal Dominant, Autosomal Recessive and X-Linked Classification Criteria (2023). Collection method: clinical testing. Allele origin: unknown.
Comment: This variant is considered likely pathogenic. This variant occurs within a consensus splice junction and is predicted to result in abnormal mRNA splicing of either an out-of-frame exon or an in-frame exon necessary for protein stability and/or normal function.

Counsyl
Classification: Likely pathogenic for Fanconi anemia complementation group J; Ovarian cancer. Last evaluated: 2017-10-27. Review status: no assertion criteria provided. Collection method: clinical testing. Allele origin: unknown. Not counted in ClinVar's aggregate classification.

NM_032043.3(BRIP1):c.1474-13_1475del

Gene: BRIP1 (BRCA1 interacting DNA helicase 1; minus strand). Cytogenetic location: 17q23.2.
Variant type: Deletion.
Coding change: c.1474-13_1475del on transcript NM_032043.3 (MANE Select); 13 bases into the intron before coding-DNA position 1474 through coding-DNA position 1475, 15 bases deleted (TAATTTCTTATAGGG).
Molecular consequence: splice acceptor variant.
Genome position (GRCh38, 1-based): chr17:61,784,423-61,784,437, CCCTATAAGAAATTA deleted on the plus strand (TAATTTCTTATAGGG on the coding strand, the reverse complement: BRIP1 is on the minus strand); deleting any 15 consecutive bases within chr17:61,784,423-61,784,439 gives the same sequence; the c. name uses the placement nearest the transcript's 3' end. VCF-style (leftmost placement, unchanged base first): chr17-61784422-TCCCTATAAGAAATTA-T. GRCh37 (hg19) VCF-style: chr17-59861783-TCCCTATAAGAAATTA-T.
Other names: c.1474-13_1475del15 (NM_032043.2).
Identifiers: ClinVar variation 548804 (VCV000548804.4), dbSNP rs1555603635, ClinGen allele CA658823907.